The following is an entry in ClinVar:

ClinVar aggregate classification (germline): Uncertain significance (1 of 4 stars; one submission).

Conditions:
Lethal multiple pterygium syndrome (LMPS). Identifiers: Orphanet 33108, MedGen C1854678, MONDO:0009668, OMIM 253290.

Submission:

Labcorp Genetics (formerly Invitae), Labcorp
Classification: Uncertain significance for Lethal multiple pterygium syndrome. Last evaluated: 2023-06-20. Review status: criteria provided, single submitter. Criteria: Invitae Variant Classification Sherloc (09022015). Collection method: clinical testing. Allele origin: germline.
Comment: This variant has not been reported in the literature in individuals affected with CHRND-related conditions. In summary, the available evidence is currently insufficient to determine the role of this variant in disease. Therefore, it has been classified as a Variant of Uncertain Significance. Advanced modeling of protein sequence and biophysical properties (such as structural, functional, and spatial information, amino acid conservation, physicochemical variation, residue mobility, and thermodynamic stability) performed at Invitae indicates that this missense variant is not expected to disrupt CHRND protein function. This variant is not present in population databases (gnomAD no frequency). This sequence change replaces valine, which is neutral and non-polar, with leucine, which is neutral and non-polar, at codon 5 of the CHRND protein (p.Val5Leu).

NM_000751.3(CHRND):c.13G>T (p.Val5Leu)

Gene: CHRND (cholinergic receptor nicotinic delta subunit; plus strand). Cytogenetic location: 2q37.1.
Variant type: single nucleotide variant.
Coding change: c.13G>T on transcript NM_000751.3 (MANE Select); coding-DNA position 13, G replaced by T.
Protein change: p.Val5Leu; replaces valine 5 with leucine.
Molecular consequence: missense variant. On other transcripts: 5 prime UTR variant (2).
Genome position (GRCh38, 1-based): chr2:232,526,228, G>T. VCF-style: chr2-232526228-G-T. GRCh37 (hg19) VCF-style: chr2-233390938-G-T.
Other names: c.13G>T, p.Val5Leu (NM_001256657.2); c.-259G>T (NM_001311195.2, NM_001311196.2); short protein forms V5L.
Identifiers: ClinVar variation 2719528 (VCV002719528.3), dbSNP rs1691455448, ClinGen allele CA350995680.
Genomic context (GRCh38, chr2:232,526,228, plus strand): 5'-GCCCTGTAGACAGGAGGGGCAGATGCACGTCCCAGTCAGAGGGATGGGATGGAGGGGCCA[G>T]TGCTGACACTGGGGCTGCTGGCTGCCCTGGCGGTGTGTGGTAAGGGAAGACACCCTCCCC-3'
Protein context (NP_000742.1, residues 1-15): MEGP[Val5Leu]LTLGLLAALA